The following is an entry in ClinVar:

NM_006269.2(RP1):c.5542G>A (p.Ala1848Thr)

Genes: RP1 (RP1 axonemal microtubule associated; plus strand), LOC126860392 (CDK7 strongly-dependent group 2 enhancer GRCh37_chr8:55541319-55542518; plus strand). Cytogenetic location: 8q12.1.
Variant type: single nucleotide variant.
Coding change: c.5542G>A on transcript NM_006269.2 (MANE Select); coding-DNA position 5542, G replaced by A.
Protein change: p.Ala1848Thr; replaces alanine 1848 with threonine.
Molecular consequence: missense variant. On other transcripts: intron variant (1).
Genome position (GRCh38, 1-based): chr8:54,629,424, G>A. VCF-style: chr8-54629424-G-A. GRCh37 (hg19) VCF-style: chr8-55541984-G-A.
Other names: c.5542G>A (NM_006269.1); c.787+7136G>A (NM_001375654.1); short protein forms A1848T.
Identifiers: ClinVar variation 1523600 (VCV001523600.8), dbSNP rs779241117, ClinGen allele CA4752089.

ClinVar aggregate classification (germline): Uncertain significance. Review status: criteria provided, multiple submitters, no conflicts (2 of 4 stars). 3 submissions from 3 submitters: Uncertain significance (3). Last evaluated 2026-07-30.

Conditions:
RP1-related disorder. Also called: RP1-related condition.

Allele frequency attached by ClinVar (database versions not stated): TOPMed 0.00002; gnomAD 0.00001; ExAC 0.00002; gnomAD exomes 0.00002.
gnomAD v4.1: 25 of 1,613,996 alleles (0.0015%); highest among the groups gnomAD compares: Middle Eastern, 0.016%; no homozygotes.

Submissions (3):

PreventionGenetics, part of Exact Sciences
Classification: Uncertain significance for RP1-related condition. Last evaluated: 2026-07-30. Review status: criteria provided, single submitter. Criteria: ACMG Guidelines, 2015. Collection method: clinical testing. Allele origin: germline.
Comment: The RP1 c.5542G>A variant is predicted to result in the amino acid substitution p.Ala1848Thr. To our knowledge, this variant has not been reported in the literature. This variant is reported in 0.0058% of alleles in individuals of Latino descent in gnomAD. At this time, the clinical significance of this variant is uncertain due to the absence of conclusive functional and genetic evidence.

Labcorp Genetics (formerly Invitae), Labcorp
Classification: Uncertain significance. Last evaluated: 2025-06-13. Review status: criteria provided, single submitter. Criteria: Invitae Variant Classification Sherloc (09022015). Collection method: clinical testing. Allele origin: germline.
Comment: This sequence change replaces alanine, which is neutral and non-polar, with threonine, which is neutral and polar, at codon 1848 of the RP1 protein (p.Ala1848Thr). This variant is present in population databases (rs779241117, gnomAD 0.009%). This variant has not been reported in the literature in individuals affected with RP1-related conditions. ClinVar contains an entry for this variant (Variation ID: 1523600). An algorithm developed to predict the effect of missense changes on protein structure and function outputs the following: PolyPhen-2: "Benign". The threonine amino acid residue is found in multiple mammalian species, which suggests that this missense change does not adversely affect protein function. In summary, the available evidence is currently insufficient to determine the role of this variant in disease. Therefore, it has been classified as a Variant of Uncertain Significance.

Blueprint Genetics
Classification: Uncertain significance. Last evaluated: 2021-10-05. Review status: criteria provided, single submitter. Criteria: ACMG Guidelines, 2015. Collection method: clinical testing. Allele origin: germline.